The following is an entry in ClinVar:

NM_001002847.4(DERPC):c.819C>T (p.Leu273=)

Genes: CHTF8 (chromosome transmission fidelity factor 8; minus strand), DERPC (DERPC proline and glycine rich nuclear protein; minus strand). Cytogenetic location: 16q22.1.
Variant type: single nucleotide variant.
Coding change: c.819C>T on transcript NM_001002847.4 (MANE Select); coding-DNA position 819, C replaced by T.
Protein change: p.Leu273=; no amino-acid change (leucine 273 retained).
Molecular consequence: synonymous variant. On other transcripts: 3 prime UTR variant (2), intron variant (3).
Genome position (GRCh38, 1-based): chr16:69,119,610, G>A on the plus strand (C>T on the coding strand, the complement: DERPC is on the minus strand). VCF-style: chr16-69119610-G-A. GRCh37 (hg19) VCF-style: chr16-69153513-G-A.
Other names: c.819C>T, p.Leu273= (NM_001040144.3, NM_001366603.2, NM_001366604.2); c.*815C>T (NM_001039690.5, NM_001040146.5); c.322+497C>T (NM_001366606.2, NM_001366602.2, NM_001366605.2).
Identifiers: ClinVar variation 2646667 (VCV002646667.24), dbSNP rs748300698, ClinGen allele CA8131648.

ClinVar aggregate classification (germline): Likely benign (1 of 4 stars; one submission).

Allele frequency attached by ClinVar (database versions not stated): TOPMed 0.00001; gnomAD exomes 0.00002.
gnomAD v4.1: 9 of 695,390 alleles (0.0013%); highest among the groups gnomAD compares: Non-Finnish European, 0.0024%; no homozygotes.

Submission:

CeGaT Center for Human Genetics Tuebingen
Classification: Likely benign. Last evaluated: 2022-04-01. Review status: criteria provided, single submitter. Criteria: CeGaT Center For Human Genetics Tuebingen Variant Classification Criteria Version 2. Collection method: clinical testing. Allele origin: germline. Affected: yes. Observed: 1 variant allele.
Comment: DERPC: BP4, BP7